The following is an entry in ClinVar:

ClinVar aggregate classification (germline): Uncertain significance (1 of 4 stars; one submission).

Conditions:
Epidermolysis bullosa simplex with nail dystrophy (EBS5D). Identifiers: MedGen C4225309, MONDO:0014661, OMIM 616487.
Epidermolysis bullosa simplex 5C, with pyloric atresia (EBS5C). Also called: PLEC-Related Epidermolysis Bullosa with Pyloric Atresia; Epidermolysis bullosa simplex with pyloric atresia; PLEC1-Related Epidermolysis Bullosa with Pyloric Atresia. Identifiers: Orphanet 158684, MedGen C2677349, MONDO:0012807, OMIM 612138.
Autosomal recessive limb-girdle muscular dystrophy type 2Q (LGMDR17). Also called: MUSCULAR DYSTROPHY, LIMB-GIRDLE, AUTOSOMAL RECESSIVE 17. Identifiers: Orphanet 254361, MedGen C3150989, MONDO:0013390, OMIM 613723.
Epidermolysis bullosa simplex, Ogna type (EBS5A). Also called: Pidermolysis bullosa simplex 5A, Ogna type; EPIDERMOLYSIS BULLOSA SIMPLEX 5A, OGNA TYPE. Identifiers: Orphanet 79401, MedGen C0432317, MONDO:0007555, OMIM 131950.
Epidermolysis bullosa simplex 5B, with muscular dystrophy (EBS5B). Also called: EPIDERMOLYSIS BULLOSA SIMPLEX AND LIMB-GIRDLE MUSCULAR DYSTROPHY; Epidermolysis bullosa simplex with muscular dystrophy. Identifiers: Orphanet 257, MedGen C2931072, MONDO:0009181, OMIM 226670.

Allele frequency attached by ClinVar (database versions not stated): ExAC 0.00001; gnomAD 0.00001; gnomAD exomes 0.00001; TOPMed 0.00001.

Submission:

Labcorp Genetics (formerly Invitae), Labcorp
Classification: Uncertain significance for Autosomal recessive limb-girdle muscular dystrophy type 2Q; Epidermolysis bullosa simplex, Ogna type; Epidermolysis bullosa simplex with nail dystrophy; Epidermolysis bullosa simplex 5C, with pyloric atresia; Epidermolysis bullosa simplex 5B, with muscular dystrophy. Last evaluated: 2025-11-03. Review status: criteria provided, single submitter. Criteria: Invitae Variant Classification Sherloc (09022015). Collection method: clinical testing. Allele origin: germline.
Comment: This sequence change replaces methionine, which is neutral and non-polar, with threonine, which is neutral and polar, at codon 1263 of the PLEC protein (p.Met1263Thr). This variant is present in population databases (rs781953061, gnomAD 0.03%). This variant has not been reported in the literature in individuals affected with PLEC-related conditions. ClinVar contains an entry for this variant (Variation ID: 2936839). Invitae Evidence Modeling of protein sequence and biophysical properties (such as structural, functional, and spatial information, amino acid conservation, physicochemical variation, residue mobility, and thermodynamic stability) indicates that this missense variant is not expected to disrupt PLEC protein function with a negative predictive value of 80%. In summary, the available evidence is currently insufficient to determine the role of this variant in disease. Therefore, it has been classified as a Variant of Uncertain Significance.

NM_201384.3(PLEC):c.3707T>C (p.Met1236Thr)

Gene: PLEC (plectin; minus strand). Cytogenetic location: 8q24.3.
Variant type: single nucleotide variant.
Coding change: c.3707T>C on transcript NM_201384.3 (MANE Select); coding-DNA position 3707, T replaced by C.
Protein change: p.Met1236Thr; replaces methionine 1236 with threonine.
Molecular consequence: missense variant.
Genome position (GRCh38, 1-based): chr8:143,927,459, A>G on the plus strand (T>C on the coding strand, the complement: PLEC is on the minus strand). VCF-style: chr8-143927459-A-G. GRCh37 (hg19) VCF-style: chr8-145001627-A-G.
Other names: c.3788T>C, p.Met1263Thr (NM_000445.5, NM_001410941.1); c.3665T>C, p.Met1222Thr (NM_201378.4); c.3641T>C, p.Met1214Thr (NM_201379.3); c.4118T>C, p.Met1373Thr (NM_201380.4); c.3611T>C, p.Met1204Thr (NM_201381.3); c.3707T>C, p.Met1236Thr (NM_201382.4); c.3719T>C, p.Met1240Thr (NM_201383.3); short protein forms M1263T, M1236T, M1240T, M1373T, M1204T, M1214T, M1222T.
Identifiers: ClinVar variation 2936839 (VCV002936839.3), dbSNP rs781953061, ClinGen allele CA4926980.